The following is an entry in ClinVar:

NM_001365999.1(SZT2):c.7450_7451del (p.Val2484fs)

Gene: SZT2 (SZT2 subunit of KICSTOR complex; plus strand). Cytogenetic location: 1p34.2.
Variant type: Microsatellite.
Coding change: c.7450_7451del on transcript NM_001365999.1 (MANE Select); coding-DNA positions 7450 to 7451, 2 bases deleted (GT; older notation c.7450_7451delGT).
Protein change: p.Val2484fs; shifts the reading frame from valine 2484.
Molecular consequence: frameshift variant.
Genome position (GRCh38, 1-based): chr1:43,441,319-43,441,320, GT deleted; deleting any 2 consecutive bases within chr1:43,441,317-43,441,320 gives the same sequence; the c. name uses the placement nearest the transcript's 3' end. VCF-style (leftmost placement, unchanged base first): chr1-43441316-AGT-A. GRCh37 (hg19) VCF-style: chr1-43906987-AGT-A.
Other names: c.7279_7280del, p.Val2427fs (NM_015284.4); short protein forms V2427fs, V2484fs.
Identifiers: ClinVar variation 4773709 (VCV004773709.1).

ClinVar aggregate classification (germline): Pathogenic (1 of 4 stars; one submission).

Submission:

Labcorp Genetics (formerly Invitae), Labcorp
Classification: Pathogenic. Last evaluated: 2026-01-05. Review status: criteria provided, single submitter. Criteria: Invitae Variant Classification Sherloc (09022015). Collection method: clinical testing. Allele origin: germline.
Comment: This sequence change creates a premature translational stop signal (p.Val2427Serfs*7) in the SZT2 gene. It is expected to result in an absent or disrupted protein product. Loss-of-function variants in SZT2 are known to be pathogenic (PMID: 23932106, 27248490, 28556953). This variant is present in population databases (rs781781218, gnomAD 0.007%). This variant has not been reported in the literature in individuals affected with SZT2-related conditions. For these reasons, this variant has been classified as Pathogenic.

Literature cited by the submitters: PubMed 23932106; PubMed 27248490; PubMed 28556953.